The following is an entry in ClinVar:

NM_007375.4(TARDBP):c.550C>A (p.Gln184Lys)

Gene: TARDBP (TAR DNA binding protein; plus strand). Cytogenetic location: 1p36.22.
Variant type: single nucleotide variant.
Coding change: c.550C>A on transcript NM_007375.4 (MANE Select); coding-DNA position 550, C replaced by A.
Protein change: p.Gln184Lys; replaces glutamine 184 with lysine.
Molecular consequence: missense variant.
Genome position (GRCh38, 1-based): chr1:11,020,435, C>A. VCF-style: chr1-11020435-C-A. GRCh37 (hg19) VCF-style: chr1-11080492-C-A.
Other names: short protein forms Q184K.
Identifiers: ClinVar variation 961801 (VCV000961801.9), dbSNP rs956150244, ClinGen allele CA17873851.

ClinVar aggregate classification (germline): Uncertain significance (1 of 4 stars; one submission).

Conditions:
Amyotrophic lateral sclerosis type 10 (ALS10). Also called: AMYOTROPHIC LATERAL SCLEROSIS 10 WITHOUT FRONTOTEMPORAL DEMENTIA AND WITH TDP43 INCLUSIONS; AMYOTROPHIC LATERAL SCLEROSIS 10 WITH OR WITHOUT FRONTOTEMPORAL DEMENTIA AND WITH TDP43 INCLUSIONS; AMYOTROPHIC LATERAL SCLEROSIS 10 WITH OR WITHOUT FRONTOTEMPORAL DEMENTIA; Amyotrophic lateral sclerosis 10, with or without FTD; TARDBP-Related Amyotrophic Lateral Sclerosis-Frontotemporal Dementia. Identifiers: Orphanet 275872, Orphanet 803, MedGen C2677565, MONDO:0012790, OMIM 612069.
FRONTOTEMPORAL LOBAR DEGENERATION WITH TDP43 INCLUSIONS, TARDBP-RELATED. Also called: Frontotemporal lobar degeneration, TARDBP-related. Identifiers: MedGen C3150169, OMIM 612069.

Allele frequency attached by ClinVar (database versions not stated): TOPMed below 0.00001; gnomAD 0.00001.
gnomAD v4.1: 1 of 1,613,726 alleles (0.000062%); highest among the groups gnomAD compares: African/African-American, 0.0013%; no homozygotes.

Submission:

Labcorp Genetics (formerly Invitae), Labcorp
Classification: Uncertain significance for Amyotrophic lateral sclerosis type 10; FRONTOTEMPORAL LOBAR DEGENERATION WITH TDP43 INCLUSIONS, TARDBP-RELATED. Last evaluated: 2019-08-30. Review status: criteria provided, single submitter. Criteria: Invitae Variant Classification Sherloc (09022015). Collection method: clinical testing. Allele origin: germline.
Comment: In summary, the available evidence is currently insufficient to determine the role of this variant in disease. Therefore, it has been classified as a Variant of Uncertain Significance. Algorithms developed to predict the effect of missense changes on protein structure and function (SIFT, PolyPhen-2, Align-GVGD) all suggest that this variant is likely to be tolerated, but these predictions have not been confirmed by published functional studies and their clinical significance is uncertain. This variant is not present in population databases (ExAC no frequency). This sequence change replaces glutamine with lysine at codon 184 of the TARDBP protein (p.Gln184Lys). The glutamine residue is weakly conserved and there is a small physicochemical difference between glutamine and lysine.